The following is an entry in ClinVar:

NM_000218.3(KCNQ1):c.386+16215C>T

Gene: KCNQ1 (potassium voltage-gated channel subfamily Q member 1; plus strand). Cytogenetic location: 11p15.5.
Variant type: single nucleotide variant.
Coding change: c.386+16215C>T on transcript NM_000218.3 (MANE Select); 16215 bases into the intron after coding-DNA position 386, C replaced by T.
Molecular consequence: intron variant.
Genome position (GRCh38, 1-based): chr11:2,461,699, C>T. VCF-style: chr11-2461699-C-T. GRCh37 (hg19) VCF-style: chr11-2482929-C-T.
Other names: c.-11C>T (NM_181798.2).
Identifiers: ClinVar variation 378012 (VCV000378012.4), dbSNP rs141322646, ClinGen allele CA036192.

ClinVar aggregate classification (germline): Likely benign. Review status: criteria provided, multiple submitters, no conflicts (2 of 4 stars). 2 submissions from 2 submitters: Likely benign (2). Last evaluated 2024-11-25.

Allele frequency attached by ClinVar (database versions not stated): ExAC 0.00024; gnomAD 0.00053; TOPMed 0.00053; 1000 Genomes Project 0.00060; 1000 Genomes Project 30x 0.00062; ESP Exome Variant Server 0.00062.
gnomAD v4.1: 340 of 1,367,040 alleles (0.025%); highest among the groups gnomAD compares: Middle Eastern, 0.19%; no homozygotes.

Submissions (2):

Blueprint Genetics
Classification: Likely benign. Last evaluated: 2024-11-25. Review status: criteria provided, single submitter. Criteria: ACMG Guidelines, 2015. Collection method: clinical testing. Allele origin: germline.

GeneDx
Classification: Likely benign. Last evaluated: 2015-12-07. Review status: criteria provided, single submitter. Criteria: GeneDx Variant Classification (06012015). Collection method: clinical testing. Allele origin: germline. Affected: yes.
Comment: This variant is considered likely benign or benign based on one or more of the following criteria: it is a conservative change, it occurs at a poorly conserved position in the protein, it is predicted to be benign by multiple in silico algorithms, and/or has population frequency not consistent with disease.